The following is an entry in ClinVar:

ClinVar aggregate classification (germline): Likely benign (0 of 4 stars; one submission).

Conditions:
FAT1-related disorder. Also called: FAT1-related condition.

Submission:

PreventionGenetics, part of Exact Sciences
Classification: Likely benign for FAT1-related condition. Last evaluated: 2024-04-23. Review status: no assertion criteria provided. Collection method: clinical testing. Allele origin: germline.
Comment: This variant is classified as likely benign based on ACMG/AMP sequence variant interpretation guidelines (Richards et al. 2015 PMID: 25741868, with internal and published modifications).

NM_005245.4(FAT1):c.8721C>T (p.Thr2907=)

Genes: FAT1 (FAT atypical cadherin 1; minus strand), LOC126807255 (BRD4-independent group 4 enhancer GRCh37_chr4:187538202-187539401; plus strand). Cytogenetic location: 4q35.2.
Variant type: single nucleotide variant.
Coding change: c.8721C>T on transcript NM_005245.4 (MANE Select); coding-DNA position 8721, C replaced by T.
Protein change: p.Thr2907=; no amino-acid change (threonine 2907 retained).
Molecular consequence: synonymous variant.
Genome position (GRCh38, 1-based): chr4:186,617,865, G>A on the plus strand (C>T on the coding strand, the complement: FAT1 is on the minus strand). VCF-style: chr4-186617865-G-A. GRCh37 (hg19) VCF-style: chr4-187539019-G-A.
Identifiers: ClinVar variation 3350785 (VCV003350785.1).
Genomic context (GRCh38, chr4:186,617,865, plus strand): 5'-CACAGTCCCTTTATAGATCTCGGCCGTGAATCGTGGTGGACTATCGTTGACATCGGTGAC[G>A]GTAACATCCACAATGGCTGTGGAGGATAGCTGGATCTTTTCACCATGATCTGATGCAACC-3'
Protein context (NP_005236.2, residues 2897-2917): QLSSTAIVDV[Thr2907=]VTDVNDSPPR